The following is an entry in ClinVar:

ClinVar aggregate classification (germline): Likely pathogenic (1 of 4 stars; one submission).

Conditions:
Glutamate formiminotransferase deficiency. Also called: Arakawa syndrome 1; Formiminoglutamic aciduria. Identifiers: Orphanet 51208, MedGen C0268609, MONDO:0009240, OMIM 229100.

Submission:

Labcorp Genetics (formerly Invitae), Labcorp
Classification: Likely pathogenic for Glutamate formiminotransferase deficiency. Last evaluated: 2023-07-27. Review status: criteria provided, single submitter. Criteria: Invitae Variant Classification Sherloc (09022015). Collection method: clinical testing. Allele origin: germline.
Comment: This variant has not been reported in the literature in individuals affected with FTCD-related conditions. The frequency data for this variant in the population databases is considered unreliable, as metrics indicate poor data quality at this position in the gnomAD database. This variant results in the deletion of part of exon 9 (c.1068_1098+24del) of the FTCD gene. It is expected to disrupt RNA splicing. Variants that disrupt the donor or acceptor splice site typically lead to a loss of protein function (PMID: 16199547), and loss-of-function variants in FTCD are known to be pathogenic (PMID: 29178637, 30740726). Algorithms developed to predict the effect of sequence changes on RNA splicing suggest that this variant may disrupt the consensus splice site. In summary, the currently available evidence indicates that the variant is pathogenic, but additional data are needed to prove that conclusively. Therefore, this variant has been classified as Likely Pathogenic.

Literature cited by the submitters: PubMed 16199547; PubMed 29178637; PubMed 30740726.

NM_206965.2(FTCD):c.1068_1098+24del

Gene: FTCD (formimidoyltransferase cyclodeaminase; minus strand). Cytogenetic location: 21q22.3.
Variant type: Deletion.
Coding change: c.1068_1098+24del on transcript NM_206965.2 (MANE Select); coding-DNA position 1068 through 24 bases into the intron after coding-DNA position 1098, 55 bases deleted.
Molecular consequence: splice donor variant.
Genome position (GRCh38, 1-based): chr21:46,145,794-46,145,848, 55 bases deleted. GRCh37 (hg19): chr21:47,565,711-47,565,765.
Other names: c.1068_1098+24del (NM_001320412.2, NM_006657.3).
Identifiers: ClinVar variation 2911933 (VCV002911933.4), dbSNP rs2079131229, ClinGen allele CA638498230.